The following is an entry in ClinVar:

ClinVar aggregate classification (germline): Likely benign (1 of 4 stars; one submission).

Conditions:
Generalized epilepsy-paroxysmal dyskinesia syndrome (PNKD3). Also called: Generalized epilepsy and paroxysmal dyskinesia; Paroxysmal nonkinesigenic dyskinesia, 3, with or without generalized epilepsy. Identifiers: Orphanet 79137, MedGen C5574945, MONDO:0012276, OMIM 609446.

Allele frequency attached by ClinVar (database versions not stated): gnomAD 0.00030 and 0.00047; TOPMed 0.00061; gnomAD exomes 0.00084; 1000 Genomes Project 30x 0.00156; 1000 Genomes Project 0.00200.
gnomAD v4.1: 1,139 of 1,452,862 alleles (0.078%); highest among the groups gnomAD compares: East Asian, 2.4%; 15 homozygotes.

Submission:

Illumina Laboratory Services, Illumina
Classification: Likely benign for Generalized epilepsy-paroxysmal dyskinesia syndrome. Last evaluated: 2018-01-13. Review status: criteria provided, single submitter. Criteria: ICSL Variant Classification Criteria 13 December 2019. Collection method: clinical testing. Allele origin: germline.
Comment: This variant was observed in the ICSL laboratory as part of a predisposition screen in an ostensibly healthy population. It had not been previously curated by ICSL or reported in the Human Gene Mutation Database (HGMD: prior to June 1st, 2018), and was therefore a candidate for classification through an automated scoring system. Utilizing variant allele frequency, disease prevalence and penetrance estimates, and inheritance mode, an automated score was calculated to assess if this variant is too frequent to cause the disease. Based on the score and internal cut-off values, a variant classified as likely benign is not then subjected to further curation. The score for this variant resulted in a classification of likely benign for this disease.

NM_001161352.2(KCNMA1):c.*2138C>T

Gene: KCNMA1 (potassium calcium-activated channel subfamily M alpha 1; minus strand). Cytogenetic location: 10q22.3.
Variant type: single nucleotide variant.
Coding change: c.*2138C>T on transcript NM_001161352.2 (MANE Select); 2138 bases downstream of the stop codon, C replaced by T.
Molecular consequence: 3 prime UTR variant. On other transcripts: intron variant (7).
Genome position (GRCh38, 1-based): chr10:76,885,128, G>A on the plus strand (C>T on the coding strand, the complement: KCNMA1 is on the minus strand). VCF-style: chr10-76885128-G-A. GRCh37 (hg19) VCF-style: chr10-78644886-G-A.
Other names: c.*2138C>T (NM_001161353.2, NM_001271519.2, NM_001322836.2 and 2 more transcripts); c.3362+2163C>T (NM_001271518.2); c.3512+2163C>T (NM_001322832.2); c.3521+2163C>T (NM_001322829.2); c.3524+2163C>T (NM_001014797.3); c.3605+2163C>T (NM_001322835.2); c.3614+2163C>T (NM_001322830.2); c.3059+2163C>T (NM_001322838.2).
Identifiers: ClinVar variation 879815 (VCV000879815.4), dbSNP rs77051509, ClinGen allele CA210076180.